The following is an entry in ClinVar:

ClinVar aggregate classification (germline): Uncertain significance. Review status: criteria provided, multiple submitters, no conflicts (2 of 4 stars). 3 submissions from 3 submitters: Uncertain significance (3). Last evaluated 2023-01-01.

Conditions:
Severe combined immunodeficiency due to DNA-PKcs deficiency. Also called: IMMUNODEFICIENCY 26 WITH NEUROLOGIC ABNORMALITIES; Immunodeficiency 26 with or without neurologic abnormalities. Identifiers: Orphanet 317425, MedGen C4014833, MONDO:0014423, OMIM 615966.

Allele frequency attached by ClinVar (database versions not stated): gnomAD 0.00001; gnomAD exomes 0.00001; TOPMed 0.00002.

Submissions (3):

Labcorp Genetics (formerly Invitae), Labcorp
Classification: Uncertain significance for Severe combined immunodeficiency due to DNA-PKcs deficiency. Last evaluated: 2023-01-01. Review status: criteria provided, single submitter. Criteria: Invitae Variant Classification Sherloc (09022015). Collection method: clinical testing. Allele origin: germline.
Comment: In summary, the available evidence is currently insufficient to determine the role of this variant in disease. Therefore, it has been classified as a Variant of Uncertain Significance. Advanced modeling of protein sequence and biophysical properties (such as structural, functional, and spatial information, amino acid conservation, physicochemical variation, residue mobility, and thermodynamic stability) performed at Invitae indicates that this missense variant is expected to disrupt PRKDC protein function. ClinVar contains an entry for this variant (Variation ID: 1746671). This variant has not been reported in the literature in individuals affected with PRKDC-related conditions. This variant is present in population databases (no rsID available, gnomAD 0.01%). This sequence change replaces leucine, which is neutral and non-polar, with phenylalanine, which is neutral and non-polar, at codon 177 of the PRKDC protein (p.Leu177Phe).

Ambry Genetics
Classification: Uncertain significance. Last evaluated: 2021-10-29. Review status: criteria provided, single submitter. Criteria: Ambry Variant Classification Scheme 2023. Collection method: clinical testing. Allele origin: germline.
Comment: The p.L177F variant (also known as c.529C>T), located in coding exon 6 of the PRKDC gene, results from a C to T substitution at nucleotide position 529. The leucine at codon 177 is replaced by phenylalanine, an amino acid with highly similar properties. This amino acid position is conserved. In addition, the in silico prediction for this alteration is inconclusive. Since supporting evidence is limited at this time, the clinical significance of this alteration remains unclear.

Revvity Omics, Revvity
Classification: Uncertain significance for Severe combined immunodeficiency due to DNA-PKcs deficiency. Last evaluated: 2020-08-12. Review status: criteria provided, single submitter. Criteria: ACMG Guidelines, 2015. Collection method: clinical testing. Allele origin: germline.

NM_006904.7(PRKDC):c.529C>T (p.Leu177Phe)

Gene: PRKDC (protein kinase, DNA-activated, catalytic subunit; minus strand). Cytogenetic location: 8q11.21.
Variant type: single nucleotide variant.
Coding change: c.529C>T on transcript NM_006904.7 (MANE Select); coding-DNA position 529, C replaced by T.
Protein change: p.Leu177Phe; replaces leucine 177 with phenylalanine.
Molecular consequence: missense variant.
Genome position (GRCh38, 1-based): chr8:47,953,899, G>A on the plus strand (C>T on the coding strand, the complement: PRKDC is on the minus strand). VCF-style: chr8-47953899-G-A. GRCh37 (hg19) VCF-style: chr8-48866459-G-A.
Other names: c.529C>T, p.Leu177Phe (NM_001081640.2); short protein forms L177F.
Identifiers: ClinVar variation 1746671 (VCV001746671.8), dbSNP rs901353625, ClinGen allele CA176150482.
Genomic context (GRCh38, chr8:47,953,899, plus strand): 5'-ACAGGTTTTCTGCATTATTTATCATCTCACTAGGATGAACTTCACCCAATAATCCTAGGA[G>A]CTCATATACTTTTTCTAAAACTGAAAAGAAAATTTTAGACAAGTGAAGGCCTCAAACTAC-3'
Protein context (NP_008835.5, residues 167-187): PDTVLEKVYE[Leu177Phe]LGLLGEVHPS